The following is an entry in ClinVar:

NM_001267550.2(TTN):c.94128del (p.Lys31375_Tyr31376insTer)

Genes: TTN (titin; minus strand), TTN-AS1 (TTN antisense RNA 1; plus strand). Cytogenetic location: 2q31.2.
Variant type: Deletion.
Coding change: c.94128del on transcript NM_001267550.2 (MANE Select); coding-DNA position 94128, one base deleted (C; older notation c.94128delC).
Protein change: p.Lys31375_Tyr31376insTer.
Molecular consequence: nonsense.
Genome position (GRCh38, 1-based): chr2:178,547,498, G deleted on the plus strand (C on the coding strand, the reverse complement: TTN is on the minus strand). VCF-style (leftmost placement, unchanged base first): chr2-178547497-TG-T. GRCh37 (hg19) VCF-style: chr2-179412224-TG-T.
Other names: c.89205del, p.Lys29734_Tyr29735insTer (NM_001256850.1); c.66933del, p.Lys22310_Tyr22311insTer (NM_003319.4); c.86424del, p.Lys28807_Tyr28808insTer (NM_133378.4); c.67308del, p.Lys22435_Tyr22436insTer (NM_133432.3); c.67509del, p.Lys22502_Tyr22503insTer (NM_133437.4).
Identifiers: ClinVar variation 1067599 (VCV001067599.9), dbSNP rs2154146720, ClinGen allele CA2499215307.
Genomic context (GRCh38, chr2:178,547,497, plus strand): 5'-ATTCTAGAGGTTTGCTGACACCAAATCTGTTCTCTGAACTGACACGGAAAGAATATTCCA[TG>T]TATTTTGTGAGATGAGTGACTTTAATTTGAGTGCGCTTGACACTGGAATTGACAAGCTGC-3'

ClinVar aggregate classification (germline): Likely pathogenic (1 of 4 stars; one submission).

Conditions:
Dilated cardiomyopathy 1G (CMD1G). Identifiers: Orphanet 154, MedGen C1858763, MONDO:0011400, OMIM 604145.
Autosomal recessive limb-girdle muscular dystrophy type 2J (LGMDR10). Also called: Limb-girdle muscular dystrophy, type 2J; MUSCULAR DYSTROPHY, LIMB-GIRDLE, AUTOSOMAL RECESSIVE 10. Identifiers: Orphanet 140922, MedGen C1837342, MONDO:0012127, OMIM 608807.

Submission:

Labcorp Genetics (formerly Invitae), Labcorp
Classification: Likely pathogenic for Dilated cardiomyopathy 1G; Autosomal recessive limb-girdle muscular dystrophy type 2J. Last evaluated: 2020-10-02. Review status: criteria provided, single submitter. Criteria: Invitae Variant Classification Sherloc (09022015). Collection method: clinical testing. Allele origin: germline.
Comment: This sequence change results in a premature translational stop signal in the TTN gene (p.Tyr31376*). While this is not anticipated to result in nonsense mediated decay, it is expected to create a truncated TTN protein. This variant is not present in population databases (ExAC no frequency). This variant has not been reported in the literature in individuals with TTN-related conditions. This variant is located in the A band of TTN (PMID: 25589632). Truncating variants in this region are significantly overrepresented in patients affected with dilated cardiomyopathy (PMID: 25589632). Truncating variants in this region have also been reported in individuals affected with autosomal recessive centronuclear myopathy (PMID: 23975875). In summary, the currently available evidence indicates that the variant is pathogenic, but additional data are needed to prove that conclusively. Therefore, this variant has been classified as Likely Pathogenic.

Literature cited by the submitters: PubMed 25589632; PubMed 23975875.